The following is an entry in ClinVar:

NM_014159.7(SETD2):c.7688del (p.Glu2562_Leu2563insTer)

Gene: SETD2 (SET domain containing 2, histone lysine methyltransferase; minus strand). Cytogenetic location: 3p21.31.
Variant type: Deletion.
Coding change: c.7688del on transcript NM_014159.7 (MANE Select); coding-DNA position 7688, one base deleted (T; older notation c.7688delT).
Protein change: p.Glu2562_Leu2563insTer.
Molecular consequence: nonsense. On other transcripts: frameshift variant (1), non-coding transcript variant (1).
Genome position (GRCh38, 1-based): chr3:47,017,100, A deleted on the plus strand (T on the coding strand, the reverse complement: SETD2 is on the minus strand); the first of 2 consecutive A bases (chr3:47,017,100-47,017,101); deleting either gives the same sequence. VCF-style (leftmost placement, unchanged base first): chr3-47017099-TA-T. GRCh37 (hg19) VCF-style: chr3-47058589-TA-T.
Other names: c.7556del, p.Glu2518_Leu2519insTer (NM_001349370.3); c.7687delT, p.Leu2563Terfs (NM_014159.6).
Identifiers: ClinVar variation 1810663 (VCV001810663.1), dbSNP rs34246758, ClinGen allele CA2580069873.
Genomic context (GRCh38, chr3:47,017,099, plus strand): 5'-TCTCCCTAGAGTCTGTCTTACCTGACCACCCATCCTCCCACCCTGGCCCAACAGTCACTC[TA>T]ATTCAGTGTCCTCTTTGGGTTTGTAAACAGCCCCAAACTTCTGCATGTACTTCTTAATGT-3'

ClinVar aggregate classification (germline): Uncertain significance (1 of 4 stars; one submission).

Submission:

GeneDx
Classification: Uncertain significance. Last evaluated: 2022-07-06. Review status: criteria provided, single submitter. Criteria: GeneDx Variant Classification Process June 2021. Collection method: clinical testing. Allele origin: germline. Affected: yes.
Comment: Not observed at significant frequency in large population cohorts (gnomAD); Nonsense variant predicted to result in protein truncation as the last 2 amino acids are lost, although loss-of-function variants have not been reported downstream of this position in the protein; Has not been previously published as pathogenic or benign to our knowledge